The following is an entry in ClinVar:

NM_138295.5(PKD1L1):c.4859+10T>C

Gene: PKD1L1 (polycystin 1 like 1, transient receptor potential channel interacting; minus strand). Cytogenetic location: 7p12.3.
Variant type: single nucleotide variant.
Coding change: c.4859+10T>C on transcript NM_138295.5 (MANE Select); 10 bases into the intron after coding-DNA position 4859, T replaced by C.
Molecular consequence: intron variant.
Genome position (GRCh38, 1-based): chr7:47,854,872, A>G on the plus strand (T>C on the coding strand, the complement: PKD1L1 is on the minus strand). VCF-style: chr7-47854872-A-G. GRCh37 (hg19) VCF-style: chr7-47894470-A-G.
Other names: c.4859+10T>C (NM_138295.3).
Identifiers: ClinVar variation 1230222 (VCV001230222.11), dbSNP rs17659956, ClinGen allele CA4253012.

ClinVar aggregate classification (germline): Benign/Likely benign. Review status: criteria provided, multiple submitters, no conflicts (2 of 4 stars). 4 submissions from 4 submitters: Benign (2); Likely benign (1). 1 of the submissions does not count toward it. Last evaluated 2026-02-03.

Conditions:
PKD1L1-related disorder. Also called: PKD1L1-related condition.

Allele frequency attached by ClinVar (database versions not stated): ESP Exome Variant Server 0.02730; gnomAD 0.04055 and 0.04309; gnomAD exomes 0.04563 and 0.07142; TOPMed 0.04827; ExAC 0.06577; 1000 Genomes Project 30x 0.07230; 1000 Genomes Project 0.07288.
gnomAD v4.1: 73,670 of 1,613,296 alleles (4.6%); highest among the groups gnomAD compares: East Asian, 21%; 2,990 homozygotes.

Submissions (4):

Labcorp Genetics (formerly Invitae), Labcorp
Classification: Benign. Last evaluated: 2026-02-03. Review status: criteria provided, single submitter. Criteria: Invitae Variant Classification Sherloc (09022015). Collection method: clinical testing. Allele origin: germline.

Blueprint Genetics
Classification: Likely benign. Last evaluated: 2024-11-27. Review status: criteria provided, single submitter. Criteria: ACMG Guidelines, 2015. Collection method: clinical testing. Allele origin: germline.

GeneDx
Classification: Benign. Last evaluated: 2018-11-12. Review status: criteria provided, single submitter. Criteria: GeneDx Variant Classification Process June 2021. Collection method: clinical testing. Allele origin: germline. Affected: yes.

PreventionGenetics, part of Exact Sciences
Classification: Benign for PKD1L1-related condition. Last evaluated: 2021-11-27. Review status: no assertion criteria provided. Collection method: clinical testing. Allele origin: germline. Not counted in ClinVar's aggregate classification.
Comment: This variant is classified as benign based on ACMG/AMP sequence variant interpretation guidelines (Richards et al. 2015 PMID: 25741868, with internal and published modifications).